The following is an entry in ClinVar:

ClinVar aggregate classification (germline): Uncertain significance. Review status: criteria provided, multiple submitters, no conflicts (2 of 4 stars). 2 submissions from 2 submitters: Uncertain significance (2). Last evaluated 2025-09-24.

Conditions:
ANK3-related disorder. Also called: ANK3-related condition.
Inborn genetic diseases. Identifiers: MedGen C0950123, MeSH D030342.

gnomAD v4.1: 11 of 1,614,096 alleles (0.00068%); highest among the groups gnomAD compares: Non-Finnish European, 0.00085%; no homozygotes.

Submissions (2):

Ambry Genetics
Classification: Uncertain significance for Inborn genetic diseases. Last evaluated: 2025-09-24. Review status: criteria provided, single submitter. Criteria: Ambry Variant Classification Scheme 2023. Collection method: clinical testing. Allele origin: germline.

PreventionGenetics, part of Exact Sciences
Classification: Uncertain significance for ANK3-related condition. Last evaluated: 2024-12-31. Review status: criteria provided, single submitter. Criteria: ACMG Guidelines, 2015. Collection method: clinical testing. Allele origin: germline.
Comment: The ANK3 c.7336A>G variant is predicted to result in the amino acid substitution p.Ile2446Val. To our knowledge, this variant has not been reported in the literature. This variant is reported in 0.0023% of alleles in individuals of European (Non-Finnish) descent in gnomAD. At this time, the clinical significance of this variant is uncertain due to the absence of conclusive functional and genetic evidence.

NM_020987.5(ANK3):c.7336A>G (p.Ile2446Val)

Gene: ANK3 (ankyrin 3; minus strand). Cytogenetic location: 10q21.2.
Variant type: single nucleotide variant.
Coding change: c.7336A>G on transcript NM_020987.5 (MANE Select); coding-DNA position 7336, A replaced by G.
Protein change: p.Ile2446Val; replaces isoleucine 2446 with valine.
Molecular consequence: missense variant. On other transcripts: intron variant (4).
Genome position (GRCh38, 1-based): chr10:60,073,545, T>C on the plus strand (A>G on the coding strand, the complement: ANK3 is on the minus strand). VCF-style: chr10-60073545-T-C. GRCh37 (hg19) VCF-style: chr10-61833303-T-C.
Other names: c.4388-5536A>G (NM_001204403.2); c.4409-5536A>G (NM_001204404.2); c.4406-5536A>G (NM_001320874.2); c.1808-5536A>G (NM_001149.4); c.7336A>G (NM_020987.4); short protein forms I2446V.
Identifiers: ClinVar variation 4577120 (VCV004577120.2).